The following is an entry in ClinVar:

ClinVar aggregate classification (germline): Uncertain significance. Review status: criteria provided, multiple submitters, no conflicts (2 of 4 stars). 2 submissions from 2 submitters: Uncertain significance (2). Last evaluated 2024-05-13.

Conditions:
Colorectal cancer. Also called: Colorectal cancer, somatic; Malignant Colorectal Neoplasm. Identifiers: MedGen C0346629, MONDO:0005575, OMIM 114500.

gnomAD v4.1: 6 of 1,614,032 alleles (0.00037%); highest among the groups gnomAD compares: Non-Finnish European, 0.00051%; no homozygotes.

Submissions (2):

Fulgent Genetics
Classification: Uncertain significance for Colorectal cancer. Last evaluated: 2024-05-13. Review status: criteria provided, single submitter. Criteria: ACMG Guidelines, 2015. Collection method: clinical testing. Allele origin: germline.

Labcorp Genetics (formerly Invitae), Labcorp
Classification: Uncertain significance. Last evaluated: 2024-03-27. Review status: criteria provided, single submitter. Criteria: Invitae Variant Classification Sherloc (09022015). Collection method: clinical testing. Allele origin: germline.
Comment: This sequence change replaces glycine, which is neutral and non-polar, with serine, which is neutral and polar, at codon 968 of the DLC1 protein (p.Gly968Ser). This variant is not present in population databases (gnomAD no frequency). This variant has not been reported in the literature in individuals affected with DLC1-related conditions. An algorithm developed to predict the effect of missense changes on protein structure and function (PolyPhen-2) suggests that this variant is likely to be disruptive. In summary, the available evidence is currently insufficient to determine the role of this variant in disease. Therefore, it has been classified as a Variant of Uncertain Significance.

NM_182643.3(DLC1):c.2902G>A (p.Gly968Ser)

Gene: DLC1 (DLC1 Rho GTPase activating protein; minus strand). Cytogenetic location: 8p22.
Variant type: single nucleotide variant.
Coding change: c.2902G>A on transcript NM_182643.3 (MANE Select); coding-DNA position 2902, G replaced by A.
Protein change: p.Gly968Ser; replaces glycine 968 with serine.
Molecular consequence: missense variant.
Genome position (GRCh38, 1-based): chr8:13,099,435, C>T on the plus strand (G>A on the coding strand, the complement: DLC1 is on the minus strand). VCF-style: chr8-13099435-C-T. GRCh37 (hg19) VCF-style: chr8-12956944-C-T.
Other names: c.1369G>A, p.Gly457Ser (NM_001413128.1, NM_001413133.1, NM_001413138.1 and 6 more transcripts); c.1693G>A, p.Gly565Ser (NM_001413129.1, NM_001316668.2); c.1684G>A, p.Gly562Ser (NM_001413130.1); c.1342G>A, p.Gly448Ser (NM_001413131.1, NM_001413137.1); c.1828G>A, p.Gly610Ser (NM_001413132.1); c.1591G>A, p.Gly531Ser (NM_001413135.1, NM_001413136.1, NM_001413139.1 and 1 more transcripts); c.2902G>A, p.Gly968Ser (NM_001348081.2, NM_001413124.1); c.1726G>A, p.Gly576Ser (NM_001413140.1); short protein forms G531S, G610S, G457S, G565S, G576S, G968S, G448S, G562S.
Identifiers: ClinVar variation 3595112 (VCV003595112.3).